The following is an entry in ClinVar:

ClinVar aggregate classification (germline): Benign/Likely benign. Review status: criteria provided, multiple submitters, no conflicts (2 of 4 stars). 5 submissions from 5 submitters: Benign (1); Likely benign (4). Last evaluated 2026-03-14.

Conditions:
POT1-related disorder. Also called: POT1-related condition.
Tumor predisposition syndrome 3 (TPDS3). Also called: Glioma susceptibility 9; LONG TELOMERE SYNDROME, POT1-RELATED; POT1 Tumor Predisposition; Melanoma, cutaneous malignant, susceptibility to, 10. Identifiers: Orphanet 618, MedGen C4014476, MONDO:0014368, OMIM 615848.
Hereditary cancer-predisposing syndrome. Also called: Tumor predisposition; Hereditary neoplastic syndrome; Neoplastic Syndromes, Hereditary; Hereditary Cancer Syndrome. Identifiers: Orphanet 140162, MedGen C0027672, MeSH D009386, MONDO:0015356.

Allele frequency attached by ClinVar (database versions not stated): gnomAD exomes 0.00002 and 0.00010; gnomAD 0.00003 and 0.00004; TOPMed 0.00006; ExAC 0.00010.
gnomAD v4.1: 28 of 1,612,660 alleles (0.0017%); highest among the groups gnomAD compares: East Asian, 0.06%; no homozygotes.

Submissions (5):

PreventionGenetics, part of Exact Sciences
Classification: Likely benign for POT1-related condition. Last evaluated: 2026-03-14. Review status: criteria provided, single submitter. Criteria: ACMG Guidelines, 2015. Collection method: clinical testing. Allele origin: germline.
Comment: This variant is classified as likely benign based on ACMG/AMP sequence variant interpretation guidelines (Richards et al. 2015 PMID: 25741868, with internal and published modifications).

Labcorp Genetics (formerly Invitae), Labcorp
Classification: Likely benign for Tumor predisposition syndrome 3. Last evaluated: 2026-01-25. Review status: criteria provided, single submitter. Criteria: Invitae Variant Classification Sherloc (09022015). Collection method: clinical testing. Allele origin: germline.

Blueprint Genetics
Classification: Likely benign. Last evaluated: 2024-09-18. Review status: criteria provided, single submitter. Criteria: ACMG Guidelines, 2015. Collection method: clinical testing. Allele origin: germline.

Quest Diagnostics Nichols Institute San Juan Capistrano
Classification: Benign. Last evaluated: 2023-06-09. Review status: criteria provided, single submitter. Criteria: Quest Diagnostics criteria. Collection method: clinical testing. Allele origin: unknown.

Ambry Genetics
Classification: Likely benign for Hereditary cancer-predisposing syndrome. Last evaluated: 2022-09-26. Review status: criteria provided, single submitter. Criteria: Ambry Variant Classification Scheme 2023. Collection method: clinical testing. Allele origin: germline.

NM_015450.3(POT1):c.1283A>G (p.Asn428Ser)

Gene: POT1 (protection of telomeres 1; minus strand). Cytogenetic location: 7q31.33.
Variant type: single nucleotide variant.
Coding change: c.1283A>G on transcript NM_015450.3 (MANE Select); coding-DNA position 1283, A replaced by G.
Protein change: p.Asn428Ser; replaces asparagine 428 with serine.
Molecular consequence: missense variant. On other transcripts: non-coding transcript variant (3).
Genome position (GRCh38, 1-based): chr7:124,841,059, T>C on the plus strand (A>G on the coding strand, the complement: POT1 is on the minus strand). VCF-style: chr7-124841059-T-C. GRCh37 (hg19) VCF-style: chr7-124481113-T-C.
Other names: c.890A>G, p.Asn297Ser (NM_001042594.2); short protein forms N428S, N297S.
Identifiers: ClinVar variation 541902 (VCV000541902.19), dbSNP rs747149913, ClinGen allele CA4465174.